The following is an entry in ClinVar:

ClinVar aggregate classification (germline): Uncertain significance (1 of 4 stars; one submission).

Conditions:
Neuropathy, hereditary sensory and autonomic, type 2A (HSAN2A). Also called: HSAN IIA; WNK1-Related HSAN2 (HSAN2A); MORVAN DISEASE; NEUROPATHY, CONGENITAL SENSORY; NEUROPATHY, HEREDITARY SENSORY RADICULAR, AUTOSOMAL RECESSIVE; NEUROPATHY, HEREDITARY SENSORY, TYPE IIA. Identifiers: Orphanet 970, MedGen C2752089, MONDO:0024309, OMIM 201300.
Generalized epilepsy with febrile seizures plus, type 7 (GEFSP7). Also called: GEFS+, TYPE 7. Identifiers: Orphanet 36387, MedGen C2751778, MONDO:0013470, OMIM 613863.

Allele frequency attached by ClinVar (database versions not stated): gnomAD exomes below 0.00001; ExAC 0.00001; TOPMed 0.00001.
gnomAD v4.1: 1 of 1,608,474 alleles (0.000062%); highest among the groups gnomAD compares: Non-Finnish European, 0.000085%; no homozygotes.

Submission:

Labcorp Genetics (formerly Invitae), Labcorp
Classification: Uncertain significance for Neuropathy, hereditary sensory and autonomic, type 2A; Generalized epilepsy with febrile seizures plus, type 7. Last evaluated: 2024-01-19. Review status: criteria provided, single submitter. Criteria: Invitae Variant Classification Sherloc (09022015). Collection method: clinical testing. Allele origin: germline.
Comment: This sequence change replaces serine, which is neutral and polar, with threonine, which is neutral and polar, at codon 1557 of the SCN9A protein (p.Ser1557Thr). This variant is present in population databases (rs758356126, gnomAD 0.0009%). This variant has not been reported in the literature in individuals affected with SCN9A-related conditions. ClinVar contains an entry for this variant (Variation ID: 1523986). Advanced modeling of protein sequence and biophysical properties (such as structural, functional, and spatial information, amino acid conservation, physicochemical variation, residue mobility, and thermodynamic stability) performed at Invitae indicates that this missense variant is not expected to disrupt SCN9A protein function with a negative predictive value of 95%. In summary, the available evidence is currently insufficient to determine the role of this variant in disease. Therefore, it has been classified as a Variant of Uncertain Significance.

NM_001365536.1(SCN9A):c.4702T>A (p.Ser1568Thr)

Genes: SCN1A-AS1 (SCN1A and SCN9A antisense RNA 1; plus strand), SCN9A (sodium voltage-gated channel alpha subunit 9; minus strand). Cytogenetic location: 2q24.3.
Variant type: single nucleotide variant.
Coding change: c.4702T>A on transcript NM_001365536.1 (MANE Select); coding-DNA position 4702, T replaced by A.
Protein change: p.Ser1568Thr; replaces serine 1568 with threonine.
Molecular consequence: missense variant.
Genome position (GRCh38, 1-based): chr2:166,204,027, A>T on the plus strand (T>A on the coding strand, the complement: SCN9A is on the minus strand). VCF-style: chr2-166204027-A-T. GRCh37 (hg19) VCF-style: chr2-167060537-A-T.
Other names: c.4669T>A, p.Ser1557Thr (NM_002977.4); short protein forms S1568T, S1557T.
Identifiers: ClinVar variation 1523986 (VCV001523986.8), dbSNP rs758356126, ClinGen allele CA1943803.